The following is an entry in ClinVar:

NM_000059.4(BRCA2):c.6567C>T (p.Asn2189=)

Gene: BRCA2 (BRCA2 DNA repair associated; plus strand). Cytogenetic location: 13q13.1.
Variant type: single nucleotide variant.
Coding change: c.6567C>T on transcript NM_000059.4 (MANE Select); coding-DNA position 6567, C replaced by T.
Protein change: p.Asn2189=; no amino-acid change (asparagine 2189 retained).
Molecular consequence: synonymous variant.
Genome position (GRCh38, 1-based): chr13:32,340,922, C>T. VCF-style: chr13-32340922-C-T. GRCh37 (hg19) VCF-style: chr13-32915059-C-T.
Identifiers: ClinVar variation 184483 (VCV000184483.33), dbSNP rs397507374, ClinGen allele CA024181.

ClinVar aggregate classification (germline): Likely benign. Review status: reviewed by expert panel (3 of 4 stars). 9 submissions from 9 submitters: Likely benign (1). 8 of the submissions do not count toward it. Last evaluated 2017-06-29.

Conditions:
Hereditary cancer-predisposing syndrome. Also called: Tumor predisposition; Neoplastic Syndromes, Hereditary; Hereditary Cancer Syndrome; Hereditary neoplastic syndrome. Identifiers: Orphanet 140162, MedGen C0027672, MeSH D009386, MONDO:0015356.
Hereditary breast ovarian cancer syndrome. Also called: Hereditary breast and ovarian cancer; Hereditary breast and ovarian cancer syndrome (HBOC); Breast and ovarian cancer; Hereditary breast and/or ovarian cancer syndrome; BRCA1- and BRCA2-Associated Hereditary Breast and Ovarian Cancer; Hereditary breast and ovarian cancer syndrome. Identifiers: Orphanet 145, MedGen C0677776, MeSH D061325, MONDO:0003582. Disease mechanism: loss of function.
Breast-ovarian cancer, familial, susceptibility to, 2 (BROVCA2). Also called: BRCA2 Hereditary Breast and Ovarian Cancer. Identifiers: Orphanet 145, MedGen C2675520, MONDO:0012933, OMIM 612555. Disease mechanism: loss of function.

Allele frequency attached by ClinVar (database versions not stated): ExAC 0.00001; gnomAD exomes 0.00001.
gnomAD v4.1: 11 of 1,609,852 alleles (0.00068%); highest among the groups gnomAD compares: East Asian, 0.0022%; no homozygotes.

Submissions (9):

Evidence-based Network for the Interpretation of Germline Mutant Alleles (ENIGMA)
Classification: Likely benign for Breast-ovarian cancer, familial, susceptibility to, 2. Last evaluated: 2017-06-29. Review status: reviewed by expert panel. Criteria: ENIGMA BRCA1/2 Classification Criteria (2017-06-29). Collection method: curation. Allele origin: germline.
Comment: Synonymous substitution variant, with low bioinformatic likelihood to result in a splicing aberration (Splicing prior probability 0.02).

Labcorp Genetics (formerly Invitae), Labcorp
Classification: Likely benign for Hereditary breast ovarian cancer syndrome. Last evaluated: 2025-07-27. Review status: criteria provided, single submitter. Criteria: Invitae Variant Classification Sherloc (09022015). Collection method: clinical testing. Allele origin: germline. Not counted in ClinVar's aggregate classification.

CeGaT Center for Human Genetics Tuebingen
Classification: Likely benign. Last evaluated: 2025-04-01. Review status: criteria provided, single submitter. Criteria: CeGaT Center For Human Genetics Tuebingen Variant Classification Criteria Version 2. Collection method: clinical testing. Allele origin: germline. Affected: yes. Observed: 1 variant allele. Not counted in ClinVar's aggregate classification.
Comment: BRCA2: BP4, BP7

All of Us Research Program, National Institutes of Health
Classification: Likely benign for Breast-ovarian cancer, familial, susceptibility to, 2. Last evaluated: 2023-12-13. Review status: criteria provided, single submitter. Criteria: ACMG Guidelines, 2015. Collection method: clinical testing. Allele origin: germline. Inheritance: Autosomal dominant inheritance. Observed: 4 variant alleles, 4 heterozygotes. Not counted in ClinVar's aggregate classification.
Comment: This study involves interpretation of variants in research participants for the purpose of population health screening. Participant phenotype was not available at the time of variant classification. Additional details can be found in publication PMID: 35346344, PMCID: PMC8962531

Women's Health and Genetics/Laboratory Corporation of America, LabCorp
Classification: Likely benign. Last evaluated: 2023-06-12. Review status: criteria provided, single submitter. Criteria: LabCorp Variant Classification Summary - May 2015. Collection method: clinical testing. Allele origin: germline. Not counted in ClinVar's aggregate classification.

Blueprint Genetics
Classification: Likely benign. Last evaluated: 2021-06-03. Review status: criteria provided, single submitter. Criteria: ACMG Guidelines, 2015. Collection method: clinical testing. Allele origin: germline. Not counted in ClinVar's aggregate classification.

GeneDx
Classification: Likely benign. Last evaluated: 2020-10-21. Review status: criteria provided, single submitter. Criteria: GeneDx Variant Classification Process June 2021. Collection method: clinical testing. Allele origin: germline. Affected: yes. Not counted in ClinVar's aggregate classification.

Color Diagnostics, LLC DBA Color Health
Classification: Likely benign for Hereditary cancer-predisposing syndrome. Last evaluated: 2017-11-09. Review status: criteria provided, single submitter. Criteria: ACMG Guidelines, 2015. Collection method: clinical testing. Allele origin: germline. Not counted in ClinVar's aggregate classification.

Ambry Genetics
Classification: Likely benign for Hereditary cancer-predisposing syndrome. Last evaluated: 2016-03-09. Review status: criteria provided, single submitter. Criteria: Ambry Variant Classification Scheme 2023. Collection method: clinical testing. Allele origin: germline. Not counted in ClinVar's aggregate classification.